The following is an entry in ClinVar:

ClinVar aggregate classification (germline): Uncertain significance. Review status: criteria provided, multiple submitters, no conflicts (2 of 4 stars). 2 submissions from 2 submitters: Uncertain significance (2). Last evaluated 2025-11-16.

Allele frequency attached by ClinVar (database versions not stated): gnomAD 0.00002 and 0.00005; 1000 Genomes Project 30x 0.00016; 1000 Genomes Project 0.00020.
gnomAD v4.1: 58 of 1,597,140 alleles (0.0036%); highest among the groups gnomAD compares: East Asian, 0.13%; no homozygotes.

Submissions (2):

Labcorp Genetics (formerly Invitae), Labcorp
Classification: Uncertain significance. Last evaluated: 2025-11-16. Review status: criteria provided, single submitter. Criteria: Invitae Variant Classification Sherloc (09022015). Collection method: clinical testing. Allele origin: germline.
Comment: This sequence change replaces arginine, which is basic and polar, with cysteine, which is neutral and slightly polar, at codon 98 of the LOX protein (p.Arg98Cys). The frequency data for this variant in the population databases is considered unreliable, as metrics indicate poor data quality at this position in the gnomAD database. This variant has not been reported in the literature in individuals affected with LOX-related conditions. ClinVar contains an entry for this variant (Variation ID: 1356042). Invitae Evidence Modeling of protein sequence and biophysical properties (such as structural, functional, and spatial information, amino acid conservation, physicochemical variation, residue mobility, and thermodynamic stability) has been performed for this missense variant. However, the output from this modeling did not meet the statistical confidence thresholds required to predict the impact of this variant on LOX protein function. In summary, the available evidence is currently insufficient to determine the role of this variant in disease. Therefore, it has been classified as a Variant of Uncertain Significance.

GeneDx
Classification: Uncertain significance. Last evaluated: 2023-02-06. Review status: criteria provided, single submitter. Criteria: GeneDx Variant Classification Process June 2021. Collection method: clinical testing. Allele origin: germline. Affected: yes.
Comment: Has not been previously published as pathogenic or benign to our knowledge; In silico analysis supports that this missense variant does not alter protein structure/function

NM_002317.7(LOX):c.292C>T (p.Arg98Cys)

Genes: LOX (lysyl oxidase; minus strand), SRFBP1 (serum response factor binding protein 1; plus strand). Cytogenetic location: 5q23.1.
Variant type: single nucleotide variant.
Coding change: c.292C>T on transcript NM_002317.7 (MANE Select); coding-DNA position 292, C replaced by T.
Protein change: p.Arg98Cys; replaces arginine 98 with cysteine.
Molecular consequence: missense variant.
Genome position (GRCh38, 1-based): chr5:122,077,694, G>A on the plus strand (C>T on the coding strand, the complement: LOX is on the minus strand). VCF-style: chr5-122077694-G-A. GRCh37 (hg19) VCF-style: chr5-121413389-G-A.
Other names: c.292C>T (NM_002317.6); short protein forms R98C.
Identifiers: ClinVar variation 1356042 (VCV001356042.6), dbSNP rs199790528, ClinGen allele CA3384076.
Genomic context (GRCh38, chr5:122,077,694, plus strand): 5'-TGGGGCGGCCAGCGGTGACTCCAGATGAGCCGGCCGTCCGCGTTCGCGCCGCGGCGGTGC[G>A]GTTGTCGCGGATCAGCAGGATCGGAGTGCGGGGCTGCTGGGCGGAGGCGTTGGCTGCACC-3'
Protein context (NP_002308.2, residues 88-108): RTPILLIRDN[Arg98Cys]TAAARTRTAG